The following is an entry in ClinVar:

NM_001183.6(ATP6AP1):c.1249G>A (p.Asp417Asn)

Gene: ATP6AP1 (ATPase H+ transporting accessory protein 1; plus strand). Cytogenetic location: Xq28.
Variant type: single nucleotide variant.
Coding change: c.1249G>A on transcript NM_001183.6 (MANE Select); coding-DNA position 1249, G replaced by A.
Protein change: p.Asp417Asn; replaces aspartic acid 417 with asparagine.
Molecular consequence: missense variant.
Genome position (GRCh38, 1-based): chrX:154,435,727, G>A. VCF-style: chrX-154435727-G-A. GRCh37 (hg19) VCF-style: chrX-153664073-G-A.
Other names: short protein forms D417N.
Identifiers: ClinVar variation 1806757 (VCV001806757.6), dbSNP rs2523022009, ClinGen allele CA415197166.

ClinVar aggregate classification (germline): Uncertain significance. Review status: criteria provided, multiple submitters, no conflicts (2 of 4 stars). 2 submissions from 2 submitters: Uncertain significance (2). Last evaluated 2022-08-05.

Submissions (2):

Labcorp Genetics (formerly Invitae), Labcorp
Classification: Uncertain significance. Last evaluated: 2022-08-05. Review status: criteria provided, single submitter. Criteria: Invitae Variant Classification Sherloc (09022015). Collection method: clinical testing. Allele origin: germline.
Comment: This variant has not been reported in the literature in individuals affected with ATP6AP1-related conditions. In summary, the available evidence is currently insufficient to determine the role of this variant in disease. Therefore, it has been classified as a Variant of Uncertain Significance. Algorithms developed to predict the effect of missense changes on protein structure and function are either unavailable or do not agree on the potential impact of this missense change (SIFT: "Deleterious"; PolyPhen-2: "Probably Damaging"; Align-GVGD: "Class C0"). This variant is not present in population databases (gnomAD no frequency). This sequence change replaces aspartic acid, which is acidic and polar, with asparagine, which is neutral and polar, at codon 417 of the ATP6AP1 protein (p.Asp417Asn).

GeneDx
Classification: Uncertain significance. Last evaluated: 2022-06-24. Review status: criteria provided, single submitter. Criteria: GeneDx Variant Classification Process June 2021. Collection method: clinical testing. Allele origin: germline. Affected: yes.
Comment: Not observed at significant frequency in large population cohorts (gnomAD); In silico analysis supports that this missense variant has a deleterious effect on protein structure/function; Has not been previously published as pathogenic or benign to our knowledge